The following is an entry in ClinVar:

NM_000784.4(CYP27A1):c.1538G>A (p.Arg513His)

Gene: CYP27A1 (cytochrome P450 family 27 subfamily A member 1; plus strand). Cytogenetic location: 2q35.
Variant type: single nucleotide variant.
Coding change: c.1538G>A on transcript NM_000784.4 (MANE Select); coding-DNA position 1538, G replaced by A.
Protein change: p.Arg513His; replaces arginine 513 with histidine.
Molecular consequence: missense variant.
Genome position (GRCh38, 1-based): chr2:218,814,972, G>A. VCF-style: chr2-218814972-G-A. GRCh37 (hg19) VCF-style: chr2-219679695-G-A.
Other names: short protein forms R513H.
Identifiers: ClinVar variation 449362 (VCV000449362.16), dbSNP rs144701596, ClinGen allele CA2112939.

ClinVar aggregate classification (germline): Conflicting classifications of pathogenicity. Review status: criteria provided, conflicting classifications (1 of 4 stars). 7 submissions from 7 submitters: Likely pathogenic (3); Uncertain significance (3). 1 of the submissions does not count toward it. Last evaluated 2025-11-12.

Conditions:
CYP27A1-related disorder. Also called: CYP27A1-related condition.
Cholestanol storage disease (CTX). Also called: CTX: Cerebrotendinous xanthomatosis; CEREBRAL CHOLESTERINOSIS; Cerebrotendinous Xanthomatosis. Identifiers: Orphanet 909, MedGen C0238052, MONDO:0008948, OMIM 213700.

Allele frequency attached by ClinVar (database versions not stated): ExAC 0.00007; ESP Exome Variant Server 0.00015.

Submissions (7):

Natera, Inc.
Classification: Likely pathogenic for Cerebrotendinous xanthomatosis. Last evaluated: 2025-11-12. Review status: criteria provided, single submitter. Criteria: Natera Variant Classification Schema (03/2026). Collection method: clinical testing. Allele origin: germline.
Comment: The c.1538G>A variant in CYP27A1 is a missense variant predicted to cause substitution of arginine to histidine at amino acid 513. This variant is rare in the general population with a frequency below the threshold expected for the associated phenotype(s). This variant has been observed in one or more individuals affected with the associated recessive disease, as either homozygous or compound heterozygous with a second variant (PMID: 22878431, 30017468). A different variant at the same position has been determined to be Pathogenic or Likely Pathogenic. Computational prediction algorithms indicate this variant is likely to affect gene or protein function. Given the available evidence, this variant is classified as Likely Pathogenic.

Fulgent Genetics
Classification: Likely pathogenic for Cholestanol storage disease. Last evaluated: 2024-04-27. Review status: criteria provided, single submitter. Criteria: ACMG Guidelines, 2015. Collection method: clinical testing. Allele origin: germline.

Labcorp Genetics (formerly Invitae), Labcorp
Classification: Uncertain significance for Cholestanol storage disease. Last evaluated: 2022-03-14. Review status: criteria provided, single submitter. Criteria: Invitae Variant Classification Sherloc (09022015). Collection method: clinical testing. Allele origin: germline.
Comment: This sequence change replaces arginine, which is basic and polar, with histidine, which is basic and polar, at codon 513 of the CYP27A1 protein (p.Arg513His). This variant is present in population databases (rs144701596, gnomAD 0.03%). This missense change has been observed in individual(s) with cerebrotendinous xanthomatosis (PMID: 22878431). ClinVar contains an entry for this variant (Variation ID: 449362). Algorithms developed to predict the effect of missense changes on protein structure and function are either unavailable or do not agree on the potential impact of this missense change (SIFT: "Deleterious"; PolyPhen-2: "Probably Damaging"; Align-GVGD: "Class C0"). This variant disrupts the p.Arg513 amino acid residue in CYP27A1. Other variant(s) that disrupt this residue have been determined to be pathogenic (PMID: 28623566, 31743419, 32714376). This suggests that this residue is clinically significant, and that variants that disrupt this residue are likely to be disease-causing. In summary, the available evidence is currently insufficient to determine the role of this variant in disease. Therefore, it has been classified as a Variant of Uncertain Significance.

Blueprint Genetics
Classification: Likely pathogenic for CYP27A1-related disorders. Last evaluated: 2020-08-31. Review status: criteria provided, single submitter. Criteria: ACMG Guidelines, 2015. Collection method: clinical testing. Allele origin: germline. Affected: yes. Observed: 2 variant alleles.

GeneDx
Classification: Uncertain significance. Last evaluated: 2020-01-16. Review status: criteria provided, single submitter. Criteria: GeneDx Variant Classification Process June 2021. Collection method: clinical testing. Allele origin: germline. Affected: yes.
Comment: In silico analysis, which includes protein predictors and evolutionary conservation, supports that this variant does not alter protein structure/function; This variant is associated with the following publications: (PMID: 22878431, 26153518, 28324197, 28623566)

Eurofins Ntd Llc (ga)
Classification: Uncertain significance. Last evaluated: 2018-03-19. Review status: criteria provided, single submitter. Criteria: EGL ClinVar v180209 classification definitions. Collection method: clinical testing. Allele origin: germline. Observed: 2 variant alleles, 2 heterozygotes.

Counsyl
Classification: Uncertain significance for Cholestanol storage disease. Last evaluated: 2017-11-15. Review status: no assertion criteria provided. Collection method: clinical testing. Allele origin: unknown. Not counted in ClinVar's aggregate classification.

Literature cited by the submitters: PubMed 22878431 (cited by 3 submitters); PubMed 30017468 (cited by Natera, Inc.); PubMed 28623566 (cited by Labcorp Genetics (formerly Invitae), Labcorp); PubMed 31743419 (cited by Labcorp Genetics (formerly Invitae), Labcorp); PubMed 32714376 (cited by Labcorp Genetics (formerly Invitae), Labcorp).